The following is an entry in ClinVar:

ClinVar aggregate classification (germline): Uncertain significance. Review status: criteria provided, multiple submitters, no conflicts (2 of 4 stars). 2 submissions from 2 submitters: Uncertain significance (2). Last evaluated 2023-10-19.

Conditions:
Myofibrillar myopathy 5. Also called: Filaminopathy (type); FILAMINOPATHY, AUTOSOMAL DOMINANT. Identifiers: Orphanet 171445, MedGen C1836050, MONDO:0012289, OMIM 609524.
Hypertrophic cardiomyopathy 26. Also called: Cardiomyopathy, familial hypertrophic, 26. Identifiers: Orphanet 75249, MedGen C4310749, MONDO:0014883, OMIM 617047.
Distal myopathy with posterior leg and anterior hand involvement. Also called: WILLIAMS DISTAL MYOPATHY. Identifiers: Orphanet 63273, MedGen C3279722, MONDO:0013550, OMIM 614065.

Submissions (2):

Labcorp Genetics (formerly Invitae), Labcorp
Classification: Uncertain significance for Distal myopathy with posterior leg and anterior hand involvement; Myofibrillar myopathy 5; Hypertrophic cardiomyopathy 26. Last evaluated: 2023-10-19. Review status: criteria provided, single submitter. Criteria: Invitae Variant Classification Sherloc (09022015). Collection method: clinical testing. Allele origin: germline.
Comment: This sequence change replaces valine, which is neutral and non-polar, with methionine, which is neutral and non-polar, at codon 1026 of the FLNC protein (p.Val1026Met). This variant is not present in population databases (gnomAD no frequency). This variant has not been reported in the literature in individuals affected with FLNC-related conditions. ClinVar contains an entry for this variant (Variation ID: 1030458). Advanced modeling of protein sequence and biophysical properties (such as structural, functional, and spatial information, amino acid conservation, physicochemical variation, residue mobility, and thermodynamic stability) has been performed at Invitae for this missense variant, however the output from this modeling did not meet the statistical confidence thresholds required to predict the impact of this variant on FLNC protein function. In summary, the available evidence is currently insufficient to determine the role of this variant in disease. Therefore, it has been classified as a Variant of Uncertain Significance.

Baylor Genetics
Classification: Uncertain significance for Myofibrillar myopathy 5. Last evaluated: 2020-06-09. Review status: criteria provided, single submitter. Criteria: ACMG Guidelines, 2015. Collection method: clinical testing. Allele origin: unknown. Affected: yes.
Comment: This variant was determined to be of uncertain significance according to ACMG Guidelines, 2015 [PMID:25741868].

NM_001458.5(FLNC):c.3076G>A (p.Val1026Met)

Gene: FLNC (filamin C; plus strand). Cytogenetic location: 7q32.1.
Variant type: single nucleotide variant.
Coding change: c.3076G>A on transcript NM_001458.5 (MANE Select); coding-DNA position 3076, G replaced by A.
Protein change: p.Val1026Met; replaces valine 1026 with methionine.
Molecular consequence: missense variant.
Genome position (GRCh38, 1-based): chr7:128,844,150, G>A. VCF-style: chr7-128844150-G-A. GRCh37 (hg19) VCF-style: chr7-128484204-G-A.
Other names: c.3076G>A, p.Val1026Met (NM_001127487.2); short protein forms V1026M.
Identifiers: ClinVar variation 1030458 (VCV001030458.6), dbSNP rs1808456380, ClinGen allele CA369194217.